The following is an entry in ClinVar:

NM_002547.3(OPHN1):c.1027C>A (p.Pro343Thr)

Gene: OPHN1 (oligophrenin 1; minus strand). Cytogenetic location: Xq12.
Variant type: single nucleotide variant.
Coding change: c.1027C>A on transcript NM_002547.3 (MANE Select); coding-DNA position 1027, C replaced by A.
Protein change: p.Pro343Thr; replaces proline 343 with threonine.
Molecular consequence: missense variant.
Genome position (GRCh38, 1-based): chrX:68,197,263, G>T on the plus strand (C>A on the coding strand, the complement: OPHN1 is on the minus strand). VCF-style: chrX-68197263-G-T. GRCh37 (hg19) VCF-style: chrX-67417105-G-T.
Other names: short protein forms P343T.
Identifiers: ClinVar variation 2104136 (VCV002104136.4), dbSNP rs2519789810, ClinGen allele CA413433248.

ClinVar aggregate classification (germline): Uncertain significance (1 of 4 stars; one submission).

Submission:

Labcorp Genetics (formerly Invitae), Labcorp
Classification: Uncertain significance. Last evaluated: 2022-02-27. Review status: criteria provided, single submitter. Criteria: Invitae Variant Classification Sherloc (09022015). Collection method: clinical testing. Allele origin: germline.
Comment: In summary, the available evidence is currently insufficient to determine the role of this variant in disease. Therefore, it has been classified as a Variant of Uncertain Significance. Algorithms developed to predict the effect of sequence changes on RNA splicing suggest that this variant may create or strengthen a splice site. Algorithms developed to predict the effect of missense changes on protein structure and function (SIFT, PolyPhen-2, Align-GVGD) all suggest that this variant is likely to be tolerated. This variant has not been reported in the literature in individuals affected with OPHN1-related conditions. This variant is not present in population databases (gnomAD no frequency). This sequence change replaces proline, which is neutral and non-polar, with threonine, which is neutral and polar, at codon 343 of the OPHN1 protein (p.Pro343Thr).